The following is an entry in ClinVar:

ClinVar aggregate classification (germline): Pathogenic (1 of 4 stars; one submission).

Conditions:
Jeune thoracic dystrophy. Also called: Jeune's syndrome; Chondroectodermal dysplasia-like syndrome; Short-rib thoracic dysplasia; Jeune syndrome; Infantile thoracic dystrophy; Thoracic pelvic phalangeal dystrophy. Identifiers: Orphanet 474, MedGen C0265275, MONDO:0018770.

Submission:

Labcorp Genetics (formerly Invitae), Labcorp
Classification: Pathogenic for Jeune thoracic dystrophy. Last evaluated: 2023-08-21. Review status: criteria provided, single submitter. Criteria: Invitae Variant Classification Sherloc (09022015). Collection method: clinical testing. Allele origin: unknown.
Comment: For these reasons, this variant has been classified as Pathogenic. This variant disrupts a region of the DYNC2H1 protein in which other variant(s) (p.Arg4154Cys) have been determined to be pathogenic (PMID: 29068549; Invitae). This suggests that this is a clinically significant region of the protein, and that variants that disrupt it are likely to be disease-causing. This variant has not been reported in the literature in individuals affected with DYNC2H1-related conditions. This variant is a gross deletion of the genomic region encompassing exon(s) 85-86 of the DYNC2H1 gene. This variant would be expected to be in-frame, preserving the integrity of the reading frame.

Literature cited by the submitters: PubMed 29068549.

NC_000011.9:g.(?_103270371)_(103306780_?)del

Gene: DYNC2H1 (dynein cytoplasmic 2 heavy chain 1; plus strand). Cytogenetic location: 11q22.3.
Variant type: Deletion.
Identifiers: ClinVar variation 3244574 (VCV003244574.1).